The following is an entry in ClinVar:

ClinVar aggregate classification (germline): Likely pathogenic. Review status: criteria provided, multiple submitters, no conflicts (2 of 4 stars). 4 submissions from 4 submitters: Likely pathogenic (3). 1 of the submissions does not count toward it. Last evaluated 2025-12-15.

Conditions:
Familial long QT syndrome (RWS). Also called: Congenital long QT syndrome; Romano-Ward syndrome; VENTRICULAR FIBRILLATION WITH PROLONGED QT INTERVAL. Identifiers: Orphanet 768, MedGen C1141890, MONDO:0019171.
Long QT syndrome (LQTS). Identifiers: MedGen C0023976, MeSH D008133, MONDO:0002442. Disease mechanism: loss of function. Inheritance: Various modes of inheritance.
Long QT syndrome 1 (LQT1). Identifiers: Orphanet 101016, Orphanet 768, MedGen C4551647, MONDO:0100316, OMIM 192500, MONDO:0008646.

Submissions (4):

GeneDx
Classification: Likely pathogenic. Last evaluated: 2025-12-15. Review status: criteria provided, single submitter. Criteria: GeneDx Variant Classification Process June 2021. Collection method: clinical testing. Allele origin: germline. Affected: yes.
Comment: Reported in an individual referred for LQTS genetic testing in published literature (PMID: 19716085); Identified in an individual with LQTS who also has a diagnosis of autosomal recessive TANGO2 deficiency (PMID: 38808169); Not observed at significant frequency in large population cohorts (gnomAD); In silico analysis supports that this missense variant has a deleterious effect on protein structure/function; This variant is associated with the following publications: (PMID: 26370830, 15051636, 19716085, 25634836, 22949429, 17984373, 16246960, 8528244, 16627448, 38808169)

Labcorp Genetics (formerly Invitae), Labcorp
Classification: Likely pathogenic for Long QT syndrome. Last evaluated: 2023-06-24. Review status: criteria provided, single submitter. Criteria: Invitae Variant Classification Sherloc (09022015). Collection method: clinical testing. Allele origin: germline.
Comment: In summary, the currently available evidence indicates that the variant is pathogenic, but additional data are needed to prove that conclusively. Therefore, this variant has been classified as Likely Pathogenic. This variant disrupts the p.Ala341 amino acid residue in KCNQ1. Other variant(s) that disrupt this residue have been determined to be pathogenic (PMID: 8528244, 15051636, 16246960, 16627448, 17984373, 22949429, 25634836). This suggests that this residue is clinically significant, and that variants that disrupt this residue are likely to be disease-causing. Advanced modeling of protein sequence and biophysical properties (such as structural, functional, and spatial information, amino acid conservation, physicochemical variation, residue mobility, and thermodynamic stability) performed at Invitae indicates that this missense variant is expected to disrupt KCNQ1 protein function. ClinVar contains an entry for this variant (Variation ID: 67005). This missense change has been observed in individual(s) with clinical features of long QT syndrome (PMID: 19716085). This variant is not present in population databases (gnomAD no frequency). This sequence change replaces alanine, which is neutral and non-polar, with glycine, which is neutral and non-polar, at codon 341 of the KCNQ1 protein (p.Ala341Gly).

Baylor Genetics
Classification: Likely pathogenic for Long QT syndrome 1. Last evaluated: 2023-04-11. Review status: criteria provided, single submitter. Criteria: ACMG Guidelines, 2015. Collection method: clinical testing. Allele origin: unknown.

Cardiovascular Biomedical Research Unit, Royal Brompton & Harefield NHS Foundation Trust
No classification provided. Condition: Familial long QT syndrome. Review status: no classification provided. Collection method: literature only. Allele origin: germline. Not counted in ClinVar's aggregate classification.
Comment: This variant has been reported as associated with Long QT syndrome in the following publications (PMID:19716085). This is a literature report, and does not necessarily reflect the clinical interpretation of the Imperial College / Royal Brompton Cardiovascular Genetics laboratory.

Literature cited by the submitters: PubMed 8528244 (cited by Labcorp Genetics (formerly Invitae), Labcorp); PubMed 15051636 (cited by Labcorp Genetics (formerly Invitae), Labcorp); PubMed 16246960 (cited by Labcorp Genetics (formerly Invitae), Labcorp); PubMed 16627448 (cited by Labcorp Genetics (formerly Invitae), Labcorp); PubMed 17984373 (cited by Labcorp Genetics (formerly Invitae), Labcorp); PubMed 22949429 (cited by Labcorp Genetics (formerly Invitae), Labcorp); PubMed 25634836 (cited by Labcorp Genetics (formerly Invitae), Labcorp); PubMed 19716085 (cited by Labcorp Genetics (formerly Invitae), Labcorp and Cardiovascular Biomedical Research Unit, Royal Brompton & Harefield NHS Foundation Trust); PubMed 22581653 (cited by Cardiovascular Biomedical Research Unit, Royal Brompton & Harefield NHS Foundation Trust).

NM_000218.3(KCNQ1):c.1022C>G (p.Ala341Gly)

Gene: KCNQ1 (potassium voltage-gated channel subfamily Q member 1; plus strand). Cytogenetic location: 11p15.5.
Variant type: single nucleotide variant.
Coding change: c.1022C>G on transcript NM_000218.3 (MANE Select); coding-DNA position 1022, C replaced by G.
Protein change: p.Ala341Gly; replaces alanine 341 with glycine.
Molecular consequence: missense variant.
Genome position (GRCh38, 1-based): chr11:2,583,535, C>G. VCF-style: chr11-2583535-C-G. GRCh37 (hg19) VCF-style: chr11-2604765-C-G.
Other names: p.A341G:GCG>GGG; c.1022C>G (LRG_287t1); c.1022C>G, p.Ala341Gly (NM_001406836.1); c.752C>G, p.Ala251Gly (NM_001406837.1); c.578C>G, p.Ala193Gly (NM_001406838.1); c.641C>G, p.Ala214Gly (NM_181798.2); short protein forms A341G, A214G, A251G, A193G.
Identifiers: ClinVar variation 67005 (VCV000067005.13), dbSNP rs12720459, ClinGen allele CA004889.